The following is an entry in ClinVar:

NM_014946.4(SPAST):c.1456A>C (p.Thr486Pro)

Gene: SPAST (spastin; plus strand). Cytogenetic location: 2p22.3.
Variant type: single nucleotide variant.
Coding change: c.1456A>C on transcript NM_014946.4 (MANE Select); coding-DNA position 1456, A replaced by C.
Protein change: p.Thr486Pro; replaces threonine 486 with proline.
Molecular consequence: missense variant.
Genome position (GRCh38, 1-based): chr2:32,137,151, A>C. VCF-style: chr2-32137151-A-C. GRCh37 (hg19) VCF-style: chr2-32362220-A-C.
Other names: c.1453A>C, p.Thr485Pro (NM_001363823.2); c.1357A>C, p.Thr453Pro (NM_001363875.2); c.1360A>C, p.Thr454Pro (NM_001377959.1, NM_199436.2); short protein forms T453P, T454P, T485P, T486P.
Identifiers: ClinVar variation 3609116 (VCV003609116.2).
Genomic context (GRCh38, chr2:32,137,151, plus strand): 5'-AAGATTTTTTGCTTGTAGGTACAGTCTGCTGGAGATGACAGAGTACTTGTAATGGGTGCA[A>C]CTAATAGGCCACAAGAGCTTGATGAGGCTGTTCTCAGGTAGGGAGATTTATATGGAAATA-3'
Protein context (NP_055761.2, residues 476-496): GDDRVLVMGA[Thr486Pro]NRPQELDEAV

ClinVar aggregate classification (germline): Uncertain significance (1 of 4 stars; one submission).

Conditions:
Hereditary spastic paraplegia 4. Also called: Familial spastic paraplegia autosomal dominant 2; Spastic paraplegia 4, autosomal dominant; Spastic Paraplegia 4. Identifiers: Orphanet 100985, MedGen C1866855, MONDO:0008438, OMIM 182601.

Submission:

Labcorp Genetics (formerly Invitae), Labcorp
Classification: Uncertain significance for Hereditary spastic paraplegia 4. Last evaluated: 2024-08-29. Review status: criteria provided, single submitter. Criteria: Invitae Variant Classification Sherloc (09022015). Collection method: clinical testing. Allele origin: germline.
Comment: This sequence change replaces threonine, which is neutral and polar, with proline, which is neutral and non-polar, at codon 486 of the SPAST protein (p.Thr486Pro). This variant is not present in population databases (gnomAD no frequency). This missense change has been observed in individual(s) with hereditary spastic paraplegia (PMID: 30476002; internal data). Invitae Evidence Modeling of protein sequence and biophysical properties (such as structural, functional, and spatial information, amino acid conservation, physicochemical variation, residue mobility, and thermodynamic stability) indicates that this missense variant is expected to disrupt SPAST protein function with a positive predictive value of 80%. This variant disrupts the p.Thr486 amino acid residue in SPAST. Other variant(s) that disrupt this residue have been determined to be pathogenic (PMID: 30564185; internal data). This suggests that this residue is clinically significant, and that variants that disrupt this residue are likely to be disease-causing. In summary, the available evidence is currently insufficient to determine the role of this variant in disease. Therefore, it has been classified as a Variant of Uncertain Significance.

Literature cited by the submitters: PubMed 30476002; PubMed 30564185.